The following is an entry in ClinVar:

ClinVar aggregate classification (germline): Uncertain significance (1 of 4 stars; one submission).

Allele frequency attached by ClinVar (database versions not stated): TOPMed below 0.00001; gnomAD 0.00001.
gnomAD v4.1: 1 of 1,614,088 alleles (0.000062%); highest among the groups gnomAD compares: African/African-American, 0.0013%; no homozygotes.

Submission:

GeneDx
Classification: Uncertain significance. Last evaluated: 2019-08-30. Review status: criteria provided, single submitter. Criteria: GeneDx Variant Classification Process June 2021. Collection method: clinical testing. Allele origin: germline. Affected: yes.
Comment: Not observed in large population cohorts (Lek et al., 2016); In silico analysis, which includes protein predictors and evolutionary conservation, supports a deleterious effect; Has not been previously published as pathogenic or benign to our knowledge

NM_004525.3(LRP2):c.10453G>C (p.Gly3485Arg)

Gene: LRP2 (LDL receptor related protein 2; minus strand). Cytogenetic location: 2q31.1.
Variant type: single nucleotide variant.
Coding change: c.10453G>C on transcript NM_004525.3 (MANE Select); coding-DNA position 10453, G replaced by C.
Protein change: p.Gly3485Arg; replaces glycine 3485 with arginine.
Molecular consequence: missense variant.
Genome position (GRCh38, 1-based): chr2:169,176,529, C>G on the plus strand (G>C on the coding strand, the complement: LRP2 is on the minus strand). VCF-style: chr2-169176529-C-G. GRCh37 (hg19) VCF-style: chr2-170033039-C-G.
Other names: short protein forms G3485R.
Identifiers: ClinVar variation 1308115 (VCV001308115.2), dbSNP rs1468469133, ClinGen allele CA349147678.